The following is an entry in ClinVar:

NM_000070.3(CAPN3):c.509dup (p.Tyr170Ter)

Gene: CAPN3 (calpain 3; plus strand). Cytogenetic location: 15q15.1.
Variant type: Duplication.
Coding change: c.509dup on transcript NM_000070.3 (MANE Select); coding-DNA position 509, one base duplicated (A; older notation c.509dupA).
Protein change: p.Tyr170Ter; replaces tyrosine 170 with a stop codon.
Molecular consequence: nonsense.
Genome position (GRCh38, 1-based): chr15:42,387,763, A duplicated. VCF-style (leftmost placement, unchanged base first): chr15-42387762-T-TA. GRCh37 (hg19) VCF-style: chr15-42679960-T-TA.
Other names: c.509dupA (NM_000070.2); c.509dup, p.Tyr170Ter (NM_024344.2, NM_173087.2); short protein forms Y170*.
Identifiers: ClinVar variation 653660 (VCV000653660.8), dbSNP rs1595821204, ClinGen allele CA915946535.

ClinVar aggregate classification (germline): Pathogenic. Review status: criteria provided, multiple submitters, no conflicts (2 of 4 stars). 2 submissions from 2 submitters: Pathogenic (2). Last evaluated 2025-05-08.

Conditions:
Autosomal recessive limb-girdle muscular dystrophy type 2A (LGMDR1). Also called: Limb-girdle muscular dystrophy, type 2A; Calpainopathy; MUSCULAR DYSTROPHY, PELVOFEMORAL; LEYDEN-MOEBIUS MUSCULAR DYSTROPHY; Muscular dystrophy, limb-girdle, type 2A, Amish. Identifiers: Orphanet 267, MedGen C1869123, MONDO:0009675, OMIM 253600. Disease mechanism: loss of function.

Submissions (2):

Revvity Omics, Revvity
Classification: Pathogenic. Last evaluated: 2025-05-08. Review status: criteria provided, single submitter. Criteria: ACMG Guidelines, 2015. Collection method: clinical testing. Allele origin: germline.

Labcorp Genetics (formerly Invitae), Labcorp
Classification: Pathogenic for Autosomal recessive limb-girdle muscular dystrophy type 2A. Last evaluated: 2022-07-30. Review status: criteria provided, single submitter. Criteria: Invitae Variant Classification Sherloc (09022015). Collection method: clinical testing. Allele origin: germline.
Comment: For these reasons, this variant has been classified as Pathogenic. Algorithms developed to predict the effect of sequence changes on RNA splicing suggest that this variant may create or strengthen a splice site. ClinVar contains an entry for this variant (Variation ID: 653660). This premature translational stop signal has been observed in individual(s) with autosomal recessive limb-girdle muscular dystrophy, type 2A (PMID: 12461690). This variant is not present in population databases (gnomAD no frequency). This sequence change creates a premature translational stop signal (p.Tyr170*) in the CAPN3 gene. It is expected to result in an absent or disrupted protein product. Loss-of-function variants in CAPN3 are known to be pathogenic (PMID: 10330340, 15689361).

Literature cited by the submitters: PubMed 12461690 (cited by Labcorp Genetics (formerly Invitae), Labcorp); PubMed 10330340 (cited by Labcorp Genetics (formerly Invitae), Labcorp); PubMed 15689361 (cited by Labcorp Genetics (formerly Invitae), Labcorp).